The following is an entry in ClinVar:

ClinVar aggregate classification (germline): Benign/Likely benign. Review status: criteria provided, multiple submitters, no conflicts (2 of 4 stars). 11 submissions from 11 submitters: Benign (6); Likely benign (1). 4 of the submissions do not count toward it. Last evaluated 2026-02-03.

Conditions:
Episodic ataxia type 2 (EA2). Also called: ACETAZOLAMIDE-RESPONSIVE HEREDITARY PAROXYSMAL CEREBELLAR ATAXIA; EPISODIC ATAXIA, NYSTAGMUS-ASSOCIATED; ATAXIA, EPISODIC, WITH NYSTAGMUS; ATAXIA, FAMILIAL PAROXYSMAL; CEREBELLAR ATAXIA, PAROXYSMAL, ACETAZOLAMIDE-RESPONSIVE; CEREBELLOPATHY, HEREDITARY PAROXYSMAL. Identifiers: Orphanet 97, MedGen C1720416, MONDO:0007163, OMIM 108500.
Developmental and epileptic encephalopathy, 42 (DEE42A). Also called: Epileptic encephalopathy, early infantile, 42; DEVELOPMENTAL AND EPILEPTIC ENCEPHALOPATHY 42A; EPILEPTIC ENCEPHALOPATHY, EARLY INFANTILE, 42A. Identifiers: MedGen C4310716, MONDO:0014917, OMIM 617106.
Inborn genetic diseases. Identifiers: MedGen C0950123, MeSH D030342.

Allele frequency attached by ClinVar (database versions not stated): gnomAD exomes 0.06058; ESP Exome Variant Server 0.07021; gnomAD 0.08064 and 0.08142; TOPMed 0.08524; ExAC 0.09613; 1000 Genomes Project 30x 0.10993; 1000 Genomes Project 0.11202.
gnomAD v4.1: 72,498 of 1,571,678 alleles (4.6%); highest among the groups gnomAD compares: African/African-American, 19%; 3,172 homozygotes.

Submissions (11):

Labcorp Genetics (formerly Invitae), Labcorp
Classification: Benign for Developmental and epileptic encephalopathy, 42; Episodic ataxia type 2. Last evaluated: 2026-02-03. Review status: criteria provided, single submitter. Criteria: Invitae Variant Classification Sherloc (09022015). Collection method: clinical testing. Allele origin: germline.

Blueprint Genetics
Classification: Likely benign. Last evaluated: 2024-11-28. Review status: criteria provided, single submitter. Criteria: ACMG Guidelines, 2015. Collection method: clinical testing. Allele origin: germline.

Mayo Clinic Laboratories, Mayo Clinic
Classification: Benign. Last evaluated: 2022-03-24. Review status: criteria provided, single submitter. Criteria: ACMG Guidelines, 2015. Collection method: clinical testing. Allele origin: germline. Observed: 133 variant alleles.

Athena Diagnostics
Classification: Benign. Last evaluated: 2021-05-03. Review status: criteria provided, single submitter. Criteria: Athena Diagnostics criteria. Collection method: clinical testing. Allele origin: unknown.

Ambry Genetics
Classification: Benign for Inborn genetic diseases. Last evaluated: 2016-01-08. Review status: criteria provided, single submitter. Criteria: Ambry Variant Classification Scheme 2023. Collection method: clinical testing. Allele origin: germline.

GeneDx
Classification: Benign. Last evaluated: 2016-01-08. Review status: criteria provided, single submitter. Criteria: GeneDx Variant Classification (06012015). Collection method: clinical testing. Allele origin: germline. Affected: yes.
Comment: This variant is considered likely benign or benign based on one or more of the following criteria: it is a conservative change, it occurs at a poorly conserved position in the protein, it is predicted to be benign by multiple in silico algorithms, and/or has population frequency not consistent with disease.

Breakthrough Genomics
Classification: Benign. Review status: criteria provided, single submitter. Criteria: ACMG Guidelines, 2015. Collection method: not provided. Allele origin: germline. Inheritance: Autosomal dominant inheritance. Affected: yes.

Clinical Genetics DNA and cytogenetics Diagnostics Lab, Erasmus MC, Erasmus Medical Center
Classification: Benign. Review status: no assertion criteria provided. Collection method: clinical testing. Allele origin: germline. Affected: yes. Study: VKGL Data-share Consensus. Not counted in ClinVar's aggregate classification.

Diagnostic Laboratory, Department of Genetics, University Medical Center Groningen
Classification: Benign. Review status: no assertion criteria provided. Collection method: clinical testing. Allele origin: germline. Affected: yes. Study: VKGL Data-share Consensus. Not counted in ClinVar's aggregate classification.

Genetic Services Laboratory, University of Chicago
Classification: Likely benign for AllHighlyPenetrant. Review status: no assertion criteria provided. Collection method: clinical testing. Allele origin: germline. Inheritance: Autosomal dominant inheritance. Not counted in ClinVar's aggregate classification.
Comment: Likely benign based on allele frequency in 1000 Genomes Project or ESP global frequency and its presence in a patient with a rare or unrelated disease phenotype. NOT Sanger confirmed.

Joint Genome Diagnostic Labs from Nijmegen and Maastricht, Radboudumc and MUMC+
Classification: Benign. Review status: no assertion criteria provided. Collection method: clinical testing. Allele origin: germline. Affected: yes. Study: VKGL Data-share Consensus. Not counted in ClinVar's aggregate classification.

Literature cited by the submitters: PubMed 8898206 (cited by Athena Diagnostics).

NM_001127222.2(CACNA1A):c.876A>G (p.Glu292=)

Gene: CACNA1A (calcium voltage-gated channel subunit alpha1 A; minus strand). Cytogenetic location: 19p13.13.
Variant type: single nucleotide variant.
Coding change: c.876A>G on transcript NM_001127222.2 (MANE Select); coding-DNA position 876, A replaced by G.
Protein change: p.Glu292=; no amino-acid change (glutamic acid 292 retained).
Molecular consequence: synonymous variant.
Genome position (GRCh38, 1-based): chr19:13,359,708, T>C on the plus strand (A>G on the coding strand, the complement: CACNA1A is on the minus strand). VCF-style: chr19-13359708-T-C. GRCh37 (hg19) VCF-style: chr19-13470522-T-C.
Other names: p.Glu292=; c.876A>G, p.Glu292= (NM_000068.4, NM_001127221.2, NM_001174080.2 and 1 more transcripts).
Identifiers: ClinVar variation 128560 (VCV000128560.29), dbSNP rs16006, ClinGen allele CA152127.